The following is an entry in ClinVar:

NM_004100.5(EYA4):c.770T>C (p.Val257Ala)

Gene: EYA4 (EYA transcriptional coactivator and phosphatase 4; plus strand). Cytogenetic location: 6q23.2.
Variant type: single nucleotide variant.
Coding change: c.770T>C on transcript NM_004100.5 (MANE Select); coding-DNA position 770, T replaced by C.
Protein change: p.Val257Ala; replaces valine 257 with alanine.
Molecular consequence: missense variant.
Genome position (GRCh38, 1-based): chr6:133,464,824, T>C. VCF-style: chr6-133464824-T-C. GRCh37 (hg19) VCF-style: chr6-133785962-T-C.
Other names: c.770T>C (NM_004100.4); c.608T>C, p.Val203Ala (NM_001301012.2, NM_001370459.1); c.770T>C, p.Val257Ala (NM_001301013.2, NM_172105.4); c.701T>C, p.Val234Ala (NM_001370458.1, NM_172103.4); short protein forms V234A, V257A, V203A.
Identifiers: ClinVar variation 1420771 (VCV001420771.9), dbSNP rs1794706639, ClinGen allele CA365701252.

ClinVar aggregate classification (germline): Uncertain significance. Review status: criteria provided, multiple submitters, no conflicts (2 of 4 stars). 2 submissions from 2 submitters: Uncertain significance (2). Last evaluated 2025-09-04.

Conditions:
Dilated cardiomyopathy 1J (CMD1J). Also called: CARDIOMYOPATHY, DILATED, WITH SENSORINEURAL HEARING LOSS, AUTOSOMAL DOMINANT. Identifiers: Orphanet 217622, MedGen C1854368, MONDO:0011541, OMIM 605362.
Cardiovascular phenotype. Identifiers: MedGen CN230736.

Allele frequency attached by ClinVar (database versions not stated): gnomAD exomes below 0.00001; gnomAD 0.00001.
gnomAD v4.1: 4 of 1,611,598 alleles (0.00025%); highest among the groups gnomAD compares: Non-Finnish European, 0.00034%; no homozygotes.

Submissions (2):

Ambry Genetics
Classification: Uncertain significance for Cardiovascular phenotype. Last evaluated: 2025-09-04. Review status: criteria provided, single submitter. Criteria: Ambry Variant Classification Scheme 2023. Collection method: clinical testing. Allele origin: germline.
Comment: The p.V257A variant (also known as c.770T>C), located in coding exon 9 of the EYA4 gene, results from a T to C substitution at nucleotide position 770. The valine at codon 257 is replaced by alanine, an amino acid with similar properties. This amino acid position is conserved. In addition, the in silico prediction for this alteration is inconclusive. Based on the available evidence, the clinical significance of this variant remains unclear.

Labcorp Genetics (formerly Invitae), Labcorp
Classification: Uncertain significance for Dilated cardiomyopathy 1J. Last evaluated: 2024-03-05. Review status: criteria provided, single submitter. Criteria: Invitae Variant Classification Sherloc (09022015). Collection method: clinical testing. Allele origin: germline.
Comment: This sequence change replaces valine, which is neutral and non-polar, with alanine, which is neutral and non-polar, at codon 257 of the EYA4 protein (p.Val257Ala). This variant is not present in population databases (gnomAD no frequency). This variant has not been reported in the literature in individuals affected with EYA4-related conditions. ClinVar contains an entry for this variant (Variation ID: 1420771). Advanced modeling of protein sequence and biophysical properties (such as structural, functional, and spatial information, amino acid conservation, physicochemical variation, residue mobility, and thermodynamic stability) performed at Invitae indicates that this missense variant is not expected to disrupt EYA4 protein function with a negative predictive value of 80%. In summary, the available evidence is currently insufficient to determine the role of this variant in disease. Therefore, it has been classified as a Variant of Uncertain Significance.